The following is an entry in ClinVar:

NM_001303.4(COX10):c.-63C>T

Gene: COX10 (cytochrome c oxidase assembly factor heme A:farnesyltransferase COX10; plus strand). Cytogenetic location: 17p12.
Variant type: single nucleotide variant.
Coding change: c.-63C>T on transcript NM_001303.4 (MANE Select); 63 bases upstream of the start codon, C replaced by T.
Molecular consequence: 5 prime UTR variant.
Genome position (GRCh38, 1-based): chr17:14,069,543, C>T. VCF-style: chr17-14069543-C-T. GRCh37 (hg19) VCF-style: chr17-13972860-C-T.
Identifiers: ClinVar variation 321806 (VCV000321806.6), dbSNP rs77877576, ClinGen allele CA10644876.
Genomic context (GRCh38, chr17:14,069,543, plus strand): 5'-CGCCGGAAGTGGCGGCCCGGAACTACTCCCACAGGGGGGCGGGGAAGGAAGATGGCGGCG[C>T]CCAGCGTCCCGTGAGGAGAGAGGACACAGGGATCCCGGGGAGCGGCCCCAGACTCGTAAA-3'

ClinVar aggregate classification (germline): Benign/Likely benign. Review status: criteria provided, multiple submitters, no conflicts (2 of 4 stars). 3 submissions from 2 submitters: Benign (1); Likely benign (2). Last evaluated 2018-01-12.

Conditions:
Mitochondrial complex IV deficiency, nuclear type 1 (MC4DN1). Also called: COX DEFICIENCY; Mitochondrial complex IV deficiency; Complex 4 mitochondrial respiratory chain deficiency; Deficiency of mitochondrial respiratory chain complex4; Complex IV deficiency. Identifiers: MedGen C5435656, MONDO:0700250, OMIM 220110. Disease mechanism: loss of function.
Leigh syndrome (NULS). Also called: Leigh Disease; Subacute necrotizing encephalopathy; Necrotizing encephalopathy infantile subacute of Leigh; Leigh's necrotizing encephalopathy; Leigh's disease; Leigh's syndrome. Identifiers: Orphanet 506, MedGen C2931891, MONDO:0009723, OMIM 256000.

Allele frequency attached by ClinVar (database versions not stated): 1000 Genomes Project 0.01118; 1000 Genomes Project 30x 0.01156; gnomAD 0.02348 and 0.02405; TOPMed 0.02383; ESP Exome Variant Server 0.02431; gnomAD exomes 0.03412.
gnomAD v4.1: 52,701 of 1,599,678 alleles (3.3%); highest among the groups gnomAD compares: Middle Eastern, 4.7%; 1,083 homozygotes.

Submissions (3):

Illumina Laboratory Services, Illumina
Classification: Likely benign for Mitochondrial complex IV deficiency, nuclear type 1. Last evaluated: 2018-01-12. Review status: criteria provided, single submitter. Criteria: ICSL Variant Classification Criteria 13 December 2019. Collection method: clinical testing. Allele origin: germline.
Comment: This variant was observed in the ICSL laboratory as part of a predisposition screen in an ostensibly healthy population. It had not been previously curated by ICSL or reported in the Human Gene Mutation Database (HGMD: prior to June 1st, 2018), and was therefore a candidate for classification through an automated scoring system. Utilizing variant allele frequency, disease prevalence and penetrance estimates, and inheritance mode, an automated score was calculated to assess if this variant is too frequent to cause the disease. Based on the score and internal cut-off values, a variant classified as likely benign is not then subjected to further curation. The score for this variant resulted in a classification of likely benign for this disease.

Illumina Laboratory Services, Illumina
Classification: Benign for Leigh syndrome. Last evaluated: 2018-01-12. Review status: criteria provided, single submitter. Criteria: ICSL Variant Classification Criteria 13 December 2019. Collection method: clinical testing. Allele origin: germline.
Comment: This variant was observed in the ICSL laboratory as part of a predisposition screen in an ostensibly healthy population. It had not been previously curated by ICSL or reported in the Human Gene Mutation Database (HGMD: prior to June 1st, 2018), and was therefore a candidate for classification through an automated scoring system. Utilizing variant allele frequency, disease prevalence and penetrance estimates, and inheritance mode, an automated score was calculated to assess if this variant is too frequent to cause the disease. Based on the score and internal cut-off values, a variant classified as benign is not then subjected to further curation. The score for this variant resulted in a classification of benign for this disease.

Breakthrough Genomics
Classification: Likely benign. Review status: criteria provided, single submitter. Criteria: ACMG Guidelines, 2015. Collection method: not provided. Allele origin: germline. Inheritance: Autosomal recessive inheritance. Affected: yes.